The following is an entry in ClinVar:

ClinVar aggregate classification (germline): Uncertain significance (1 of 4 stars; one submission).

Allele frequency attached by ClinVar (database versions not stated): gnomAD 0.00001; ExAC 0.00002; TOPMed 0.00002.
gnomAD v4.1: 12 of 1,613,952 alleles (0.00074%); highest among the groups gnomAD compares: East Asian, 0.0022%; no homozygotes.

Submission:

Labcorp Genetics (formerly Invitae), Labcorp
Classification: Uncertain significance. Last evaluated: 2024-04-29. Review status: criteria provided, single submitter. Criteria: Invitae Variant Classification Sherloc (09022015). Collection method: clinical testing. Allele origin: germline.
Comment: This sequence change replaces glycine, which is neutral and non-polar, with serine, which is neutral and polar, at codon 766 of the COL27A1 protein (p.Gly766Ser). This variant is present in population databases (rs752172699, gnomAD 0.006%). This variant has not been reported in the literature in individuals affected with COL27A1-related conditions. ClinVar contains an entry for this variant (Variation ID: 2187171). Advanced modeling of protein sequence and biophysical properties (such as structural, functional, and spatial information, amino acid conservation, physicochemical variation, residue mobility, and thermodynamic stability) performed at Invitae indicates that this missense variant is expected to disrupt COL27A1 protein function with a positive predictive value of 80%. In summary, the available evidence is currently insufficient to determine the role of this variant in disease. Therefore, it has been classified as a Variant of Uncertain Significance.

NM_032888.4(COL27A1):c.2296G>A (p.Gly766Ser)

Gene: COL27A1 (collagen type XXVII alpha 1 chain; plus strand). Cytogenetic location: 9q32.
Variant type: single nucleotide variant.
Coding change: c.2296G>A on transcript NM_032888.4 (MANE Select); coding-DNA position 2296, G replaced by A.
Protein change: p.Gly766Ser; replaces glycine 766 with serine.
Molecular consequence: missense variant.
Genome position (GRCh38, 1-based): chr9:114,209,702, G>A. VCF-style: chr9-114209702-G-A. GRCh37 (hg19) VCF-style: chr9-116971982-G-A.
Other names: short protein forms G766S.
Identifiers: ClinVar variation 2187171 (VCV002187171.3), dbSNP rs752172699, ClinGen allele CA5201774.